The following is an entry in ClinVar:

ClinVar aggregate classification (germline): Uncertain significance. Review status: criteria provided, multiple submitters, no conflicts (2 of 4 stars). 3 submissions from 3 submitters: Uncertain significance (3). Last evaluated 2025-12-16.

Conditions:
Cardiovascular phenotype. Identifiers: MedGen CN230736.

Submissions (3):

Ambry Genetics
Classification: Uncertain significance for Cardiovascular phenotype. Last evaluated: 2025-12-16. Review status: criteria provided, single submitter. Criteria: Ambry Variant Classification Scheme 2023. Collection method: clinical testing. Allele origin: germline.
Comment: The p.R392* variant (also known as c.1174C>T), located in coding exon 8 of the TBX20 gene, results from a C to T substitution at nucleotide position 1174. This changes the amino acid from an arginine to a stop codon within coding exon 8. This alteration occurs at the 3' terminus of the gene, is not expected to trigger nonsense-mediated mRNAdecay, and impacts the last 12% of the protein. The exact functional effect of this alteration is unknown. Since supporting evidence is limited at this time, the clinical significance of this alteration remains unclear.

Labcorp Genetics (formerly Invitae), Labcorp
Classification: Uncertain significance. Last evaluated: 2025-10-13. Review status: criteria provided, single submitter. Criteria: Invitae Variant Classification Sherloc (09022015). Collection method: clinical testing. Allele origin: germline.
Comment: This sequence change creates a premature translational stop signal (p.Arg392*) in the TBX20 gene. While this is not anticipated to result in nonsense mediated decay, it is expected to disrupt the last 56 amino acid(s) of the TBX20 protein. This variant is not present in population databases (gnomAD no frequency). This variant has not been reported in the literature in individuals affected with TBX20-related conditions. ClinVar contains an entry for this variant (Variation ID: 1740308). Experimental studies and prediction algorithms are not available or were not evaluated, and the functional significance of this variant is currently unknown. In summary, the available evidence is currently insufficient to determine the role of this variant in disease. Therefore, it has been classified as a Variant of Uncertain Significance.

GeneDx
Classification: Uncertain significance. Last evaluated: 2024-10-11. Review status: criteria provided, single submitter. Criteria: GeneDx Variant Classification Process June 2021. Collection method: clinical testing. Allele origin: germline. Affected: yes.
Comment: Not observed at significant frequency in large population cohorts (gnomAD); Nonsense variant predicted to result in protein truncation as the last 56 amino acid(s) are lost; Has not been previously published as pathogenic or benign to our knowledge

NM_001077653.2(TBX20):c.1174C>T (p.Arg392Ter)

Gene: TBX20 (T-box transcription factor 20; minus strand). Cytogenetic location: 7p14.2.
Variant type: single nucleotide variant.
Coding change: c.1174C>T on transcript NM_001077653.2 (MANE Select); coding-DNA position 1174, C replaced by T.
Protein change: p.Arg392Ter; replaces arginine 392 with a stop codon.
Molecular consequence: nonsense.
Genome position (GRCh38, 1-based): chr7:35,202,600, G>A on the plus strand (C>T on the coding strand, the complement: TBX20 is on the minus strand). VCF-style: chr7-35202600-G-A. GRCh37 (hg19) VCF-style: chr7-35242212-G-A.
Other names: short protein forms R392*.
Identifiers: ClinVar variation 1740308 (VCV001740308.5), dbSNP rs773703831, ClinGen allele CA367263056.